The following is an entry in ClinVar:

NM_001613.4(ACTA2):c.1072T>A (p.Trp358Arg)

Genes: ACTA2-AS1 (ACTA2 antisense RNA 1; plus strand), ACTA2 (actin alpha 2, smooth muscle; minus strand). Cytogenetic location: 10q23.31.
Variant type: single nucleotide variant.
Coding change: c.1072T>A on transcript NM_001613.4 (MANE Select); coding-DNA position 1072, T replaced by A.
Protein change: p.Trp358Arg; replaces tryptophan 358 with arginine.
Molecular consequence: missense variant. On other transcripts: non-coding transcript variant (1).
Genome position (GRCh38, 1-based): chr10:88,935,285, A>T on the plus strand (T>A on the coding strand, the complement: ACTA2 is on the minus strand). VCF-style: chr10-88935285-A-T. GRCh37 (hg19) VCF-style: chr10-90695042-A-T.
Other names: c.1072T>A, p.Trp358Arg (NM_001141945.3, NM_001320855.2, NM_001406462.1 and 2 more transcripts); c.961T>A, p.Trp321Arg (NM_001406466.1); c.943T>A, p.Trp315Arg (NM_001406467.1, NM_001406468.1, NM_001406469.1); c.880T>A, p.Trp294Arg (NM_001406471.1); short protein forms W294R, W358R, W315R, W321R.
Identifiers: ClinVar variation 3263618 (VCV003263618.1).

ClinVar aggregate classification (germline): Uncertain significance (1 of 4 stars; one submission).

Conditions:
Familial thoracic aortic aneurysm and aortic dissection (TAAD). Also called: Thoracic aortic aneurysms and dissections. Identifiers: Orphanet 91387, MedGen C4707243, MONDO:0019625.

Submission:

Ambry Genetics
Classification: Uncertain significance for Familial thoracic aortic aneurysm and aortic dissection. Last evaluated: 2024-06-23. Review status: criteria provided, single submitter. Criteria: Ambry Variant Classification Scheme 2023. Collection method: clinical testing. Allele origin: germline.
Comment: The p.W358R variant (also known as c.1072T>A), located in coding exon 8 of the ACTA2 gene, results from a T to A substitution at nucleotide position 1072. The tryptophan at codon 358 is replaced by arginine, an amino acid with dissimilar properties. This amino acid position is conserved. In addition, this alteration is predicted to be deleterious by in silico analysis. Based on the available evidence, the clinical significance of this variant remains unclear.